The following is an entry in ClinVar:

ClinVar aggregate classification (germline): Uncertain significance. Review status: criteria provided, multiple submitters, no conflicts (2 of 4 stars). 2 submissions from 2 submitters: Uncertain significance (2). Last evaluated 2025-05-07.

Conditions:
Inborn genetic diseases. Identifiers: MedGen C0950123, MeSH D030342.
Bethlem myopathy 1A. Also called: Bethlem Muscular Dystrophy; MYOPATHY, BENIGN CONGENITAL, WITH CONTRACTURES; Bethlem myopathy 1. Identifiers: Orphanet 610, MedGen CN029274, MONDO:0024530, OMIM 158810.

Allele frequency attached by ClinVar (database versions not stated): gnomAD exomes below 0.00001; TOPMed below 0.00001.
gnomAD v4.1: 4 of 1,612,770 alleles (0.00025%); highest among the groups gnomAD compares: South Asian, 0.0011%; no homozygotes.

Submissions (2):

Labcorp Genetics (formerly Invitae), Labcorp
Classification: Uncertain significance for Bethlem myopathy 1A. Last evaluated: 2025-05-07. Review status: criteria provided, single submitter. Criteria: Invitae Variant Classification Sherloc (09022015). Collection method: clinical testing. Allele origin: germline.
Comment: This sequence change replaces glycine, which is neutral and non-polar, with arginine, which is basic and polar, at codon 340 of the COL6A2 protein (p.Gly340Arg). This variant is not present in population databases (gnomAD no frequency). This variant has not been reported in the literature in individuals affected with COL6A2-related conditions. ClinVar contains an entry for this variant (Variation ID: 2301885). Invitae Evidence Modeling of protein sequence and biophysical properties (such as structural, functional, and spatial information, amino acid conservation, physicochemical variation, residue mobility, and thermodynamic stability) indicates that this missense variant is expected to disrupt COL6A2 protein function with a positive predictive value of 80%. This variant disrupts the triple helix domain of COL6A2. Glycine residues within the Gly-Xaa-Yaa repeats of the triple helix domain are required for the structure and stability of fibrillar collagens (PMID: 7695699, 8218237, 19344236). In COL6A2, missense variants at these glycine residues are significantly enriched in individuals with autosomal dominant disease (PMID: 15689448, 24038877) compared to the general population (ExAC). In summary, the available evidence is currently insufficient to determine the role of this variant in disease. Therefore, it has been classified as a Variant of Uncertain Significance.

Ambry Genetics
Classification: Uncertain significance for Inborn genetic diseases. Last evaluated: 2022-07-14. Review status: criteria provided, single submitter. Criteria: Ambry Variant Classification Scheme 2023. Collection method: clinical testing. Allele origin: germline.

Literature cited by the submitters: PubMed 7695699 (cited by Labcorp Genetics (formerly Invitae), Labcorp); PubMed 8218237 (cited by Labcorp Genetics (formerly Invitae), Labcorp); PubMed 19344236 (cited by Labcorp Genetics (formerly Invitae), Labcorp); PubMed 15689448 (cited by Labcorp Genetics (formerly Invitae), Labcorp); PubMed 24038877 (cited by Labcorp Genetics (formerly Invitae), Labcorp).

NM_001849.4(COL6A2):c.1018G>A (p.Gly340Arg)

Gene: COL6A2 (collagen type VI alpha 2 chain; plus strand). Cytogenetic location: 21q22.3.
Variant type: single nucleotide variant.
Coding change: c.1018G>A on transcript NM_001849.4 (MANE Select); coding-DNA position 1018, G replaced by A.
Protein change: p.Gly340Arg; replaces glycine 340 with arginine.
Molecular consequence: missense variant.
Genome position (GRCh38, 1-based): chr21:46,117,418, G>A. VCF-style: chr21-46117418-G-A. GRCh37 (hg19) VCF-style: chr21-47537332-G-A.
Other names: c.1018G>A, p.Gly340Arg (NM_058174.3, NM_058175.3); short protein forms G340R.
Identifiers: ClinVar variation 2301885 (VCV002301885.3), dbSNP rs2078489557, ClinGen allele CA410527333.